The following is an entry in ClinVar:

ClinVar aggregate classification (germline): Uncertain significance (1 of 4 stars; one submission).

Conditions:
Long QT syndrome (LQTS). Identifiers: MedGen C0023976, MeSH D008133, MONDO:0002442. Disease mechanism: loss of function. Inheritance: Various modes of inheritance.

Submission:

Labcorp Genetics (formerly Invitae), Labcorp
Classification: Uncertain significance for Long QT syndrome. Last evaluated: 2023-04-11. Review status: criteria provided, single submitter. Criteria: Invitae Variant Classification Sherloc (09022015). Collection method: clinical testing. Allele origin: germline.
Comment: This sequence change replaces threonine, which is neutral and polar, with asparagine, which is neutral and polar, at codon 64 of the CAV3 protein (p.Thr64Asn). This variant is not present in population databases (gnomAD no frequency). This variant has not been reported in the literature in individuals affected with CAV3-related conditions. An algorithm developed to predict the effect of missense changes on protein structure and function (PolyPhen-2) suggests that this variant is likely to be disruptive. This variant disrupts the p.Thr64 amino acid residue in CAV3. Other variant(s) that disrupt this residue have been observed in individuals with CAV3-related conditions (PMID: 11532985, 25214167), which suggests that this may be a clinically significant amino acid residue. In summary, the available evidence is currently insufficient to determine the role of this variant in disease. Therefore, it has been classified as a Variant of Uncertain Significance.

Literature cited by the submitters: PubMed 11532985; PubMed 25214167.

NM_033337.3(CAV3):c.191C>A (p.Thr64Asn)

Genes: CAV3 (caveolin 3; plus strand), OXTR (oxytocin receptor; minus strand). Cytogenetic location: 3p25.3.
Variant type: single nucleotide variant.
Coding change: c.191C>A on transcript NM_033337.3 (MANE Select); coding-DNA position 191, C replaced by A.
Protein change: p.Thr64Asn; replaces threonine 64 with asparagine.
Molecular consequence: missense variant.
Genome position (GRCh38, 1-based): chr3:8,745,602, C>A. VCF-style: chr3-8745602-C-A. GRCh37 (hg19) VCF-style: chr3-8787288-C-A.
Other names: c.191C>A, p.Thr64Asn (NM_001234.5); short protein forms T64N.
Identifiers: ClinVar variation 2855009 (VCV002855009.3), dbSNP rs121909280, ClinGen allele CA351663261.